The following is an entry in ClinVar:

NM_152594.3(SPRED1):c.89G>T (p.Gly30Val)

Gene: SPRED1 (sprouty related EVH1 domain containing 1; plus strand). Cytogenetic location: 15q14.
Variant type: single nucleotide variant.
Coding change: c.89G>T on transcript NM_152594.3 (MANE Select); coding-DNA position 89, G replaced by T.
Protein change: p.Gly30Val; replaces glycine 30 with valine.
Molecular consequence: missense variant.
Genome position (GRCh38, 1-based): chr15:38,299,429, G>T. VCF-style: chr15-38299429-G-T. GRCh37 (hg19) VCF-style: chr15-38591630-G-T.
Other names: short protein forms G30V.
Identifiers: ClinVar variation 2714166 (VCV002714166.3), dbSNP rs1317038482, ClinGen allele CA391933999.

ClinVar aggregate classification (germline): Uncertain significance (1 of 4 stars; one submission).

Conditions:
Legius syndrome. Identifiers: Orphanet 137605, MedGen C1969623, MONDO:0012669, OMIM 611431. Disease mechanism: loss of function.

Submission:

Labcorp Genetics (formerly Invitae), Labcorp
Classification: Uncertain significance for Legius syndrome. Last evaluated: 2024-01-29. Review status: criteria provided, single submitter. Criteria: Invitae Variant Classification Sherloc (09022015). Collection method: clinical testing. Allele origin: germline.
Comment: This sequence change replaces glycine, which is neutral and non-polar, with valine, which is neutral and non-polar, at codon 30 of the SPRED1 protein (p.Gly30Val). This variant is not present in population databases (gnomAD no frequency). This variant has not been reported in the literature in individuals affected with SPRED1-related conditions. Advanced modeling of protein sequence and biophysical properties (such as structural, functional, and spatial information, amino acid conservation, physicochemical variation, residue mobility, and thermodynamic stability) performed at Invitae indicates that this missense variant is expected to disrupt SPRED1 protein function with a positive predictive value of 80%. In summary, the available evidence is currently insufficient to determine the role of this variant in disease. Therefore, it has been classified as a Variant of Uncertain Significance.